The following is an entry in ClinVar:

NM_006118.4(HAX1):c.289G>A (p.Ala97Thr)

Gene: HAX1 (HCLS1 associated protein X-1; plus strand). Cytogenetic location: 1q21.3.
Variant type: single nucleotide variant.
Coding change: c.289G>A on transcript NM_006118.4 (MANE Select); coding-DNA position 289, G replaced by A.
Protein change: p.Ala97Thr; replaces alanine 97 with threonine.
Molecular consequence: missense variant.
Genome position (GRCh38, 1-based): chr1:154,273,571, G>A. VCF-style: chr1-154273571-G-A. GRCh37 (hg19) VCF-style: chr1-154246047-G-A.
Other names: c.145G>A, p.Ala49Thr (NM_001018837.2); short protein forms A97T, A49T.
Identifiers: ClinVar variation 4269053 (VCV004269053.1).
Genomic context (GRCh38, chr1:154,273,571, plus strand): 5'-GATAACTTCGGCTTTGATGACCTAGTACGAGATTTCAATAGCATCTTCAGCGATATGGGG[G>A]CCTGGACCTTGCCTTCCCATCCTCCTGGTGTGTGGCTTTCCCTAAGGGGCAACCTGTGGT-3'
Protein context (NP_006109.2, residues 87-107): DFNSIFSDMG[Ala97Thr]WTLPSHPPEL

ClinVar aggregate classification (germline): Uncertain significance (1 of 4 stars; one submission).

Conditions:
Inborn genetic diseases. Identifiers: MedGen C0950123, MeSH D030342.

Submission:

Ambry Genetics
Classification: Uncertain significance for Inborn genetic diseases. Last evaluated: 2025-08-24. Review status: criteria provided, single submitter. Criteria: Ambry Variant Classification Scheme 2023. Collection method: clinical testing. Allele origin: germline.
Comment: The p.A97T variant (also known as c.289G>A), located in coding exon 2 of the HAX1 gene, results from a G to A substitution at nucleotide position 289. The alanine at codon 97 is replaced by threonine, an amino acid with similar properties. This amino acid position is conserved. In addition, this alteration is predicted to be tolerated by in silico analysis. Based on the available evidence, the clinical significance of this variant remains unclear.